The following is an entry in ClinVar:

NM_152419.3(HGSNAT):c.1251-291G>C

Gene: HGSNAT (heparan-alpha-glucosaminide N-acetyltransferase; plus strand). Cytogenetic location: 8p11.21.
Variant type: single nucleotide variant.
Coding change: c.1251-291G>C on transcript NM_152419.3 (MANE Select); 291 bases into the intron before coding-DNA position 1251, G replaced by C.
Molecular consequence: intron variant.
Genome position (GRCh38, 1-based): chr8:43,192,013, G>C. VCF-style: chr8-43192013-G-C. GRCh37 (hg19) VCF-style: chr8-43047156-G-C.
Other names: c.1251-291G>C (NM_001363227.2); c.387-291G>C (NM_001363229.2); c.1059-291G>C (NM_001363228.2).
Identifiers: ClinVar variation 684173 (VCV000684173.1), dbSNP rs3739432, ClinGen allele CA176073771.
Genomic context (GRCh38, chr8:43,192,013, plus strand): 5'-GAATCTTGCTCTGTCGCCCAGGCAGGAGTGCAGTGGCATGAACTCGGCTCACTGCAACCT[G>C]CGCCTCCCAGGTTCAAGCGATTCTCCTGCATTAGCCTCCTGAGTAGCTGGGATTACAGGC-3'

ClinVar aggregate classification (germline): Benign (1 of 4 stars; one submission).

Allele frequency attached by ClinVar (database versions not stated): 1000 Genomes Project 30x 0.80387; 1000 Genomes Project 0.80491; TOPMed 0.83909; gnomAD 0.85929 and 0.85999.
gnomAD v4.1: 130,839 of 152,038 alleles (86%); highest among the groups gnomAD compares: Non-Finnish European, 95%; 57,133 homozygotes.

Submission:

GeneDx
Classification: Benign. Last evaluated: 2018-06-19. Review status: criteria provided, single submitter. Criteria: GeneDx Variant Classification (06012015). Collection method: clinical testing. Allele origin: germline. Affected: yes.
Comment: This variant is considered likely benign or benign based on one or more of the following criteria: it is a conservative change, it occurs at a poorly conserved position in the protein, it is predicted to be benign by multiple in silico algorithms, and/or has population frequency not consistent with disease.